The following is an entry in ClinVar:

ClinVar aggregate classification (germline): Uncertain significance. Review status: criteria provided, multiple submitters, no conflicts (2 of 4 stars). 2 submissions from 2 submitters: Uncertain significance (2). Last evaluated 2026-07-22.

Conditions:
TTN-related disorder. Also called: TTN-related condition; TTN-related disease; TTN-related disorders.

Allele frequency attached by ClinVar (database versions not stated): TOPMed 0.00003; ESP Exome Variant Server 0.00008.
gnomAD v4.1: 2 of 1,612,362 alleles (0.00012%); highest among the groups gnomAD compares: African/African-American, 0.0027%; no homozygotes.

Submissions (2):

PreventionGenetics, part of Exact Sciences
Classification: Uncertain significance for TTN-related condition. Last evaluated: 2026-07-22. Review status: criteria provided, single submitter. Criteria: ACMG Guidelines, 2015. Collection method: clinical testing. Allele origin: germline.
Comment: The TTN c.97530T>A variant is predicted to result in the amino acid substitution p.Asp32510Glu. This variant, also known as c.89826T>A (p.Asp29942Glu) in an alternate transcript (NM_133378.4), has been reported with uncertain significance in an individual from a pediatric dilated cardiomyopathy cohort (Supplemental Table II, van der Meulen et al. 2022. PubMed ID: 36178741). This variant is reported in 0.0065% of alleles in individuals of African descent in gnomAD. At this time, the clinical significance of this variant is uncertain due to the absence of conclusive functional and genetic evidence.

Revvity Omics, Revvity
Classification: Uncertain significance. Last evaluated: 2020-01-31. Review status: criteria provided, single submitter. Criteria: ACMG Guidelines, 2015. Collection method: clinical testing. Allele origin: germline.

NM_001267550.2(TTN):c.97530T>A (p.Asp32510Glu)

Genes: TTN (titin; minus strand), TTN-AS1 (TTN antisense RNA 1; plus strand). Cytogenetic location: 2q31.2.
Variant type: single nucleotide variant.
Coding change: c.97530T>A on transcript NM_001267550.2 (MANE Select); coding-DNA position 97530, T replaced by A.
Protein change: p.Asp32510Glu; replaces aspartic acid 32510 with glutamic acid.
Molecular consequence: missense variant.
Genome position (GRCh38, 1-based): chr2:178,541,547, A>T on the plus strand (T>A on the coding strand, the complement: TTN is on the minus strand). VCF-style: chr2-178541547-A-T. GRCh37 (hg19) VCF-style: chr2-179406274-A-T.
Other names: c.92607T>A, p.Asp30869Glu (NM_001256850.1); c.70335T>A, p.Asp23445Glu (NM_003319.4); c.89826T>A, p.Asp29942Glu (NM_133378.4); c.70710T>A, p.Asp23570Glu (NM_133432.3); c.70911T>A, p.Asp23637Glu (NM_133437.4); short protein forms D23445E, D23570E, D23637E, D29942E, D30869E, D32510E.
Identifiers: ClinVar variation 2437669 (VCV002437669.4), dbSNP rs375612373, ClinGen allele CA60967172.
Genomic context (GRCh38, chr2:178,541,547, plus strand): 5'-TTGGGAGCCACCGTCATCCTCTGGTGGGTACCAAGTAAGTGTCATGCCATCACGGGAAAC[A>T]TCAAATATCTGTAATGTTTCTGGGGGTCCAGGAATACCTGCAGCAAGACAGAGGTTAACA-3'
Protein context (NP_001254479.2, residues 32500-32520): PGPPETLQIF[Asp32510Glu]VSRDGMTLTW